The following is an entry in ClinVar:

ClinVar aggregate classification (germline): Uncertain significance. Review status: criteria provided, multiple submitters, no conflicts (2 of 4 stars). 2 submissions from 2 submitters: Uncertain significance (2). Last evaluated 2024-12-30.

Conditions:
Inborn genetic diseases. Identifiers: MedGen C0950123, MeSH D030342.

gnomAD v4.1: 2 of 1,613,688 alleles (0.00012%); highest among the groups gnomAD compares: Admixed American, 0.0033%; no homozygotes.

Submissions (2):

Ambry Genetics
Classification: Uncertain significance for Inborn genetic diseases. Last evaluated: 2024-12-30. Review status: criteria provided, single submitter. Criteria: Ambry Variant Classification Scheme 2023. Collection method: clinical testing. Allele origin: germline.

Labcorp Genetics (formerly Invitae), Labcorp
Classification: Uncertain significance. Last evaluated: 2024-05-10. Review status: criteria provided, single submitter. Criteria: Invitae Variant Classification Sherloc (09022015). Collection method: clinical testing. Allele origin: germline.
Comment: This sequence change replaces phenylalanine, which is neutral and non-polar, with isoleucine, which is neutral and non-polar, at codon 348 of the HSPG2 protein (p.Phe348Ile). This variant is not present in population databases (gnomAD no frequency). This variant has not been reported in the literature in individuals affected with HSPG2-related conditions. An algorithm developed to predict the effect of missense changes on protein structure and function (PolyPhen-2) suggests that this variant is likely to be tolerated. In summary, the available evidence is currently insufficient to determine the role of this variant in disease. Therefore, it has been classified as a Variant of Uncertain Significance.

NM_005529.7(HSPG2):c.1042T>A (p.Phe348Ile)

Gene: HSPG2 (heparan sulfate proteoglycan 2; minus strand). Cytogenetic location: 1p36.12.
Variant type: single nucleotide variant.
Coding change: c.1042T>A on transcript NM_005529.7 (MANE Select); coding-DNA position 1042, T replaced by A.
Protein change: p.Phe348Ile; replaces phenylalanine 348 with isoleucine.
Molecular consequence: missense variant.
Genome position (GRCh38, 1-based): chr1:21,887,251, A>T on the plus strand (T>A on the coding strand, the complement: HSPG2 is on the minus strand). VCF-style: chr1-21887251-A-T. GRCh37 (hg19) VCF-style: chr1-22213744-A-T.
Other names: c.1042T>A, p.Phe348Ile (NM_001291860.2); c.1042T>A (NM_005529.5); short protein forms F348I.
Identifiers: ClinVar variation 3706925 (VCV003706925.3).